The following is an entry in ClinVar:

ClinVar aggregate classification (germline): Uncertain significance (1 of 4 stars; one submission).

Conditions:
Hereditary nonpolyposis colorectal neoplasms. Identifiers: MedGen C0009405, MeSH D003123.

Submission:

Labcorp Genetics (formerly Invitae), Labcorp
Classification: Uncertain significance for Hereditary nonpolyposis colorectal neoplasms. Last evaluated: 2017-08-21. Review status: criteria provided, single submitter. Criteria: Invitae Variant Classification Sherloc (09022015). Collection method: clinical testing. Allele origin: germline.
Comment: This sequence change replaces tryptophan with glycine at codon 1007 of the MSH6 protein (p.Trp1007Gly). The tryptophan residue is moderately conserved and there is a large physicochemical difference between tryptophan and glycine. This variant is not present in population databases (ExAC no frequency). This variant has not been reported in the literature in individuals with MSH6-related disease. Algorithms developed to predict the effect of missense changes on protein structure and function do not agree on the potential impact of this missense change (SIFT: "Tolerated"; PolyPhen-2: "Probably Damaging"; Align-GVGD: "Class C0"). In summary, the available evidence is currently insufficient to determine the role of this variant in disease. Therefore, it has been classified as a Variant of Uncertain Significance.

NM_000179.3(MSH6):c.3019T>G (p.Trp1007Gly)

Gene: MSH6 (mutS homolog 6; plus strand). Cytogenetic location: 2p16.3.
Variant type: single nucleotide variant.
Coding change: c.3019T>G on transcript NM_000179.3 (MANE Select); coding-DNA position 3019, T replaced by G.
Protein change: p.Trp1007Gly; replaces tryptophan 1007 with glycine.
Molecular consequence: missense variant.
Genome position (GRCh38, 1-based): chr2:47,801,002, T>G. VCF-style: chr2-47801002-T-G. GRCh37 (hg19) VCF-style: chr2-48028141-T-G.
Other names: c.2629T>G, p.Trp877Gly (NM_001281492.2); c.2113T>G, p.Trp705Gly (NM_001281493.2, NM_001281494.2); short protein forms W1007G, W877G, W705G.
Identifiers: ClinVar variation 525772 (VCV000525772.9), dbSNP rs1553414398, ClinGen allele CA346756437.